The following is an entry in ClinVar:

ClinVar aggregate classification (germline): Pathogenic. Review status: criteria provided, multiple submitters, no conflicts (2 of 4 stars). 9 submissions from 9 submitters: Pathogenic (8). 1 of the submissions does not count toward it. Last evaluated 2025-09-11.

Conditions:
DCX-related disorder. Also called: DCX-related condition; DCX-Related Disorders. Identifiers: MedGen CN381525.
Inborn genetic diseases. Identifiers: MedGen C0950123, MeSH D030342.
Lissencephaly. Also called: Lissencephaly spectrum disorders. Identifiers: Orphanet 48471, MedGen C0266463, MeSH D054082, MONDO:0018838, HP:0001339.
Lissencephaly type 1 due to doublecortin gene mutation. Also called: LISSENCEPHALY, X-LINKED, 1; LISSENCEPHALY AND AGENESIS OF CORPUS CALLOSUM. Identifiers: Orphanet 2148, MedGen C4551968, MONDO:0010239, OMIM 300067.
Ectopic tissue. Also called: Heterotopia. Identifiers: MedGen C0008519.

Submissions (9):

Ambry Genetics
Classification: Pathogenic for Inborn genetic diseases. Last evaluated: 2025-09-11. Review status: criteria provided, single submitter. Criteria: Ambry Variant Classification Scheme 2023. Collection method: clinical testing. Allele origin: germline.
Comment: The c.907C>T (p.R303*) alteration, located in exon 5 (coding exon 4) of the DCX gene, consists of a C to T substitution at nucleotide position 907. This changes the amino acid from an arginine (R) to a stop codon at amino acid position 303. This alteration is expected to result in loss of function by premature protein truncation or nonsense-mediated mRNA decay. This variant was not reported in population-based cohorts in the Genome Aggregation Database (gnomAD). This variant was reported in individual(s) with features consistent with DCX-related lissencephaly; in at least one individual, it was determined to be de novo (des Portes, 1998; Matsumoto, 2001; Bahi-Buisson, 2013; Di Donato, 2018). Based on the available evidence, this alteration is classified as pathogenic.

Institute of Human Genetics, University of Leipzig Medical Center
Classification: Pathogenic for Lissencephaly type 1 due to doublecortin gene mutation. Last evaluated: 2024-09-23. Review status: criteria provided, single submitter. Criteria: ACMG Guidelines, 2015. Collection method: clinical testing. Allele origin: de novo. Inheritance: X-linked dominant inheritance. Affected: yes.
Comment: Criteria applied: PVS1,PS2_VSTR,PS4_MOD,PM2

Labcorp Genetics (formerly Invitae), Labcorp
Classification: Pathogenic. Last evaluated: 2024-02-06. Review status: criteria provided, single submitter. Criteria: Invitae Variant Classification Sherloc (09022015). Collection method: clinical testing. Allele origin: germline.
Comment: This sequence change creates a premature translational stop signal (p.Arg303*) in the DCX gene. It is expected to result in an absent or disrupted protein product. Loss-of-function variants in DCX are known to be pathogenic (PMID: 11175293, 23365099). This variant is not present in population databases (gnomAD no frequency). This premature translational stop signal has been observed in individual(s) with lissencephaly and subcortical band heterotopia (PMID: 10369164, 29671837). In at least one individual the variant was observed to be de novo. ClinVar contains an entry for this variant (Variation ID: 158511). For these reasons, this variant has been classified as Pathogenic.

Blueprint Genetics
Classification: Pathogenic for DCX-related disorders. Last evaluated: 2023-12-01. Review status: criteria provided, single submitter. Criteria: ACMG Guidelines, 2015. Collection method: clinical testing. Allele origin: germline. Affected: yes. Observed: 4 variant alleles.

GeneDx
Classification: Pathogenic. Last evaluated: 2020-10-12. Review status: criteria provided, single submitter. Criteria: GeneDx Variant Classification Process June 2021. Collection method: clinical testing. Allele origin: germline. Affected: yes.
Comment: Nonsense variant predicted to result in protein truncation or nonsense mediated decay in a gene for which loss-of-function is a known mechanism of disease; Not observed in large population cohorts (Lek et al., 2016); This variant is associated with the following publications: (PMID: 10807542, 9618162, 10369164, 11175293, 23365099, 29671837, 32978145)

Genetic Services Laboratory, University of Chicago
Classification: Pathogenic for Abnormality of neuronal migration. Last evaluated: 2013-02-08. Review status: criteria provided, single submitter. Criteria: ACMG Guidelines, 2007. Collection method: clinical testing. Allele origin: germline. Inheritance: Autosomal dominant inheritance. Affected: yes.

Neuberg Centre For Genomic Medicine, NCGM
Classification: Pathogenic for Lissencephaly type 1 due to doublecortin gene mutation. Review status: criteria provided, single submitter. Criteria: ACMG Guidelines, 2015. Collection method: clinical testing. Allele origin: germline. Inheritance: X-linked inheritance. Affected: yes.
Comment: The premature translational stop signal (c.907C>T) variant has been reported previously in patients affected with lissencephaly and subcortical band heterotopia (Di Donato et. al., 2018). The c.907C>T variant is novel (not in any individuals) in gnomAD Exomes and 1000 Genomes. This variant has been reported to the ClinVar database as Pathogenic. The nucleotide change c.907C>T in DCX is predicted as conserved by GERP++ and PhyloP across 100 vertebrates. This stop gained (p.Arg303Ter) variant is expected to result in an absent or disrupted protein products and loss of function variants in DCX are known to be Pathogenic (Bahi-Buisson et. al., 2013; Matsumoto et. al., 2001). For these reasons, this variant has been classified as Pathogenic.

Pediatric Department, Xiangya Hospital, Central South University
Classification: Pathogenic for Lissencephaly, X-linked. Review status: criteria provided, single submitter. Criteria: ACMG Guidelines, 2015. Collection method: research. Allele origin: de novo. Affected: yes.

University of Washington Center for Mendelian Genomics, University of Washington
Classification: Likely pathogenic for lissencephaly. Review status: no assertion criteria provided. Collection method: research. Allele origin: de novo. Affected: yes. Not counted in ClinVar's aggregate classification.

Literature cited by the submitters: PubMed 9618162 (cited by Ambry Genetics); PubMed 11175293 (cited by Ambry Genetics and Labcorp Genetics (formerly Invitae), Labcorp); PubMed 23365099 (cited by Ambry Genetics and Labcorp Genetics (formerly Invitae), Labcorp); PubMed 29671837 (cited by 3 submitters); PubMed 10369164 (cited by Labcorp Genetics (formerly Invitae), Labcorp).

NM_001195553.2(DCX):c.907C>T (p.Arg303Ter)

Gene: DCX (doublecortin; minus strand). Cytogenetic location: Xq23.
Variant type: single nucleotide variant.
Coding change: c.907C>T on transcript NM_001195553.2 (MANE Select); coding-DNA position 907, C replaced by T.
Protein change: p.Arg303Ter; replaces arginine 303 with a stop codon.
Molecular consequence: nonsense.
Genome position (GRCh38, 1-based): chrX:111,330,943, G>A on the plus strand (C>T on the coding strand, the complement: DCX is on the minus strand). VCF-style: chrX-111330943-G-A. GRCh37 (hg19) VCF-style: chrX-110574171-G-A.
Other names: c.1150C>T, p.Arg384Ter (NM_000555.3); c.907C>T, p.Arg303Ter (NM_001369370.1, NM_001369371.1, NM_001369372.1 and 5 more transcripts); c.907C>T (NM_178153.2); short protein forms R303*, R384*.
Identifiers: ClinVar variation 158511 (VCV000158511.22), dbSNP rs587783592, ClinGen allele CA172086.